The following is an entry in ClinVar:

ClinVar aggregate classification (germline): Pathogenic. Review status: reviewed by expert panel (3 of 4 stars). 11 submissions from 11 submitters: Pathogenic (1). 10 of the submissions do not count toward it. Last evaluated 2019-06-18.

Conditions:
Breast and/or ovarian cancer. Identifiers: MedGen CN221562.
Hereditary breast ovarian cancer syndrome. Also called: Hereditary breast and ovarian cancer; Hereditary breast and ovarian cancer syndrome; Breast and ovarian cancer; Hereditary breast and ovarian cancer syndrome (HBOC); Hereditary breast and/or ovarian cancer syndrome; BRCA1- and BRCA2-Associated Hereditary Breast and Ovarian Cancer. Identifiers: Orphanet 145, MedGen C0677776, MeSH D061325, MONDO:0003582. Disease mechanism: loss of function.
BRCA2-related disorder. Also called: BRCA2-related condition; BRCA2-related disorders. Identifiers: MedGen CN239275.
Breast-ovarian cancer, familial, susceptibility to, 2 (BROVCA2). Also called: BRCA2 Hereditary Breast and Ovarian Cancer. Identifiers: Orphanet 145, MedGen C2675520, MONDO:0012933, OMIM 612555. Disease mechanism: loss of function.
Hereditary cancer-predisposing syndrome. Also called: Hereditary Cancer Syndrome; Neoplastic Syndromes, Hereditary; Tumor predisposition; Hereditary neoplastic syndrome. Identifiers: Orphanet 140162, MedGen C0027672, MeSH D009386, MONDO:0015356.

Allele frequency attached by ClinVar (database versions not stated): gnomAD exomes below 0.00001.
gnomAD v4.1: 2 of 1,558,090 alleles (0.00013%); highest among the groups gnomAD compares: South Asian, 0.0022%; no homozygotes.

Submissions (11):

Evidence-based Network for the Interpretation of Germline Mutant Alleles (ENIGMA)
Classification: Pathogenic for Breast-ovarian cancer, familial, susceptibility to, 2. Last evaluated: 2019-06-18. Review status: reviewed by expert panel. Criteria: ENIGMA BRCA1/2 Classification Criteria (2017-06-29). Collection method: curation. Allele origin: germline.
Comment: IARC class based on posterior probability from multifactorial likelihood analysis, thresholds for class as per Plon et al. 2008 (PMID: 18951446). Class 5 based on posterior probability = 0.991417

Center for Genomic Medicine, Rigshospitalet, Copenhagen University Hospital
Classification: Pathogenic. Last evaluated: 2025-12-29. Review status: criteria provided, single submitter. Criteria: ACMG Guidelines, 2015. Collection method: clinical testing. Allele origin: germline. Not counted in ClinVar's aggregate classification.

Labcorp Genetics (formerly Invitae), Labcorp
Classification: Pathogenic for Hereditary breast ovarian cancer syndrome. Last evaluated: 2025-08-05. Review status: criteria provided, single submitter. Criteria: Invitae Variant Classification Sherloc (09022015). Collection method: clinical testing. Allele origin: germline. Not counted in ClinVar's aggregate classification.
Comment: This sequence change affects an acceptor splice site in intron 13 of the BRCA2 gene. It is expected to disrupt RNA splicing. Variants that disrupt the donor or acceptor splice site typically lead to a loss of protein function (PMID: 16199547), and loss-of-function variants in BRCA2 are known to be pathogenic (PMID: 20104584). This variant is not present in population databases (gnomAD no frequency). Disruption of this splice site has been observed in individual(s) with clinical features of hereditary breast and ovarian cancer (PMID: 26833046, 29446198). ClinVar contains an entry for this variant (Variation ID: 188436). Based on a multifactorial likelihood algorithm using genetic, in silico, and/or statistical data, this variant has been determined to have a high probability of being pathogenic (PMID: 31131967). Algorithms developed to predict the effect of sequence changes on RNA splicing suggest that this variant may disrupt the consensus splice site. For these reasons, this variant has been classified as Pathogenic.

Women's Health and Genetics/Laboratory Corporation of America, LabCorp
Classification: Pathogenic for Hereditary breast ovarian cancer syndrome. Last evaluated: 2025-05-21. Review status: criteria provided, single submitter. Criteria: LabCorp Variant Classification Summary - May 2015. Collection method: clinical testing. Allele origin: germline. Not counted in ClinVar's aggregate classification.
Comment: Variant summary: BRCA2 c.7008-1G>A is located in a canonical splice-site and is predicted to affect mRNA splicing resulting in a significantly altered protein due to either exon skipping, shortening, or inclusion of intronic material. Variants that disrupt the consensus splice site are a relatively common cause of aberrant splicing and loss of BRCA2 function. Several computational tools predict a significant impact on normal splicing: Four predict the variant abolishes a 3' acceptor site. However, these predictions have yet to be confirmed by functional studies. The variant was absent in 250362 control chromosomes. c.7008-1G>A has been observed in multiple individual(s) affected with clinical features of Hereditary Breast And Ovarian Cancer Syndrome (example, Nielsen_2016). These report(s) do not provide unequivocal conclusions about association of the variant with Hereditary Breast And Ovarian Cancer Syndrome. A different variant impacting the same canonical acceptor site has been classified as Pathogenic at Labcorp (c.7008-2A>T). To our knowledge, no experimental evidence demonstrating an impact on protein function has been reported. The following publication has been ascertained in the context of this evaluation (PMID: 26833046). ClinVar contains an entry for this variant (Variation ID: 188436). Based on the evidence outlined above, the variant was classified as pathogenic.

Ambry Genetics
Classification: Likely pathogenic for Hereditary cancer-predisposing syndrome. Last evaluated: 2025-03-05. Review status: criteria provided, single submitter. Criteria: Ambry Variant Classification Scheme 2023. Collection method: clinical testing. Allele origin: germline. Not counted in ClinVar's aggregate classification.
Comment: The c.7008-1G>A intronic variant results from a G to A substitution one nucleotide upstream from coding exon 13 of the BRCA2 gene. This alteration has been identified in multiple individuals with personal and/or family histories of breast, ovarian, and/or pancreatic cancer, and malignant melanoma (Nielsen HR et al. Fam. Cancer 2016 Oct;15(4):507-12; Rebbeck TR et al. Hum Mutat, 2018 05;39:593-620; Golan T et al. J Clin Oncol, 2020 May;38:1442-1454). Of note, this alteration is also known as IVS13-1G>A in published literature. This variant is considered to be rare based on population cohorts in the Genome Aggregation Database (gnomAD). This nucleotide position is highly conserved in available vertebrate species. In silico splice site analysis predicts that this alteration will weaken the native splice acceptor site. RNA studies have demonstrated that this alteration results in aberrant splicing (Fraile-Bethencourt E et al. Front Genet, 2019 May;10:503; Ambry internal data). In addition to the clinical data presented in the literature, alterations that disrupt the canonical splice site are expected to cause aberrant splicing, resulting in an abnormal protein or a transcript that is subject to nonsense-mediated mRNA decay. As such, this alteration is classified as likely pathogenic.

Department of Clinical Genetics, Copenhagen University Hospital, Rigshospitalet
Classification: Pathogenic for Breast-ovarian cancer, familial, susceptibility to, 2. Last evaluated: 2024-05-27. Review status: criteria provided, single submitter. Criteria: ACMG Guidelines, 2015. Collection method: clinical testing. Allele origin: germline. Affected: yes. Not counted in ClinVar's aggregate classification.
Comment: PVS1 (RNA); PM2_Supporting; PP1

GeneDx
Classification: Pathogenic. Last evaluated: 2023-01-17. Review status: criteria provided, single submitter. Criteria: GeneDx Variant Classification Process June 2021. Collection method: clinical testing. Allele origin: germline. Affected: yes. Not counted in ClinVar's aggregate classification.
Comment: Canonical splice site variant demonstrated to result in protein truncation or nonsense mediated decay in a gene for which loss-of-function is a known mechanism of disease (Fraile-Bethencourt et al., 2019); Identified in individuals with BRCA2-related and other cancers and considered to be a founder variant in the Danish population (Nielsen et al., 2016; Bertelsen et al., 2019; von Stedingk et al., 2021); Not observed at significant frequency in large population cohorts (gnomAD); Also known as 7236-1G>A; Truncating variants in this gene are considered pathogenic by a well-established clinical consortium and/or database; This variant is associated with the following publications: (PMID: 18465347, 15533909, 16843109, 33674644, 31191615, 31131967, 26833046, 29446198, 31263571)

Color Diagnostics, LLC DBA Color Health
Classification: Likely pathogenic for Hereditary cancer-predisposing syndrome. Last evaluated: 2022-03-02. Review status: criteria provided, single submitter. Criteria: ACMG Guidelines, 2015. Collection method: clinical testing. Allele origin: germline. Not counted in ClinVar's aggregate classification.
Comment: This variant causes a G to A nucleotide substitution at the -1 position of intron 13 of the BRCA2 gene. Splice site prediction tools predict that this variant may have a significant impact on RNA splicing. RNA studies have shown this variant produces 2 mutant transcripts, both of which cause exon 14 skipping and result in the creation frameshift and of a premature stop signal (PMID: 31191615). This variant has been reported in individuals affected with breast cancer, ovarian cancer, malignant melanoma, and prostate cancer, (PMID: 26833046, 33471991; Leiden Open Variation Database DB-ID BRCA2_005906, Color internal data) and has been identified in 11 families among the CIMBA participants (PMID: 29446198). This variant has not been identified in the general population by the Genome Aggregation Database (gnomAD). Loss of BRCA2 function is a known mechanism of disease. Based on the available evidence, this variant is classified as Likely Pathogenic.

Consortium of Investigators of Modifiers of BRCA1/2 (CIMBA), c/o University of Cambridge
Classification: Pathogenic for Breast-ovarian cancer, familial, susceptibility to, 2. Last evaluated: 2015-10-02. Review status: criteria provided, single submitter. Criteria: CIMBA Mutation Classification guidelines May 2016. Collection method: clinical testing. Allele origin: germline. Not counted in ClinVar's aggregate classification.

CHEO Genetics Diagnostic Laboratory, Children's Hospital of Eastern Ontario
Classification: Likely pathogenic for Breast and/or ovarian cancer. Last evaluated: 2015-09-02. Review status: criteria provided, single submitter. Criteria: ACMG Guidelines, 2015. Collection method: clinical testing. Allele origin: germline. Study: Canadian Open Genetics Repository. Not counted in ClinVar's aggregate classification.

PreventionGenetics, part of Exact Sciences
Classification: Pathogenic for BRCA2-related condition. Last evaluated: 2024-07-05. Review status: no assertion criteria provided. Collection method: clinical testing. Allele origin: germline. Not counted in ClinVar's aggregate classification.
Comment: The BRCA2 c.7008-1G>A variant is predicted to disrupt the AG splice acceptor site and interfere with normal splicing. This variant has been reported in individuals affected with breast cancer, ovarian cancer, malignant melanoma, and prostate cancer, and considered to be a founder variant in the Danish population (Nielsen et al. 2016. PubMed ID: 26833046; Rebbeck et al. 2018. PubMed ID: 29446198; Bertelsen et al. 2019. PubMed ID: 31263571; von Stedingk et al. 2021. PubMed ID: 33674644). RNA studies have confirmed that this variant results in aberrant splicing (Fraile-Bethencourt et al. 2019. PubMed ID: 31191615).This variant has not been reported in a large population database, indicating this variant is rare. This variant is interpreted as likely pathogenic and pathogenic in ClinVar. Variants that disrupt the consensus splice acceptor site in BRCA2 are expected to be pathogenic. This variant is interpreted as pathogenic.

Literature cited by the submitters: PubMed 31131967 (cited by 3 submitters); PubMed 29446198 (cited by 4 submitters); PubMed 31191615 (cited by 3 submitters); PubMed 16199547 (cited by Labcorp Genetics (formerly Invitae), Labcorp); PubMed 20104584 (cited by Labcorp Genetics (formerly Invitae), Labcorp); PubMed 26833046 (cited by 4 submitters); PubMed 16843109 (cited by Ambry Genetics); PubMed 32073954 (cited by Ambry Genetics); PubMed 33471991 (cited by Color Diagnostics, LLC DBA Color Health).

NM_000059.4(BRCA2):c.7008-1G>A

Gene: BRCA2 (BRCA2 DNA repair associated; plus strand). Cytogenetic location: 13q13.1.
Variant type: single nucleotide variant.
Coding change: c.7008-1G>A on transcript NM_000059.4 (MANE Select); the canonical splice acceptor site of the intron before coding-DNA position 7008, G replaced by A.
Molecular consequence: splice acceptor variant.
Genome position (GRCh38, 1-based): chr13:32,354,860, G>A. VCF-style: chr13-32354860-G-A. GRCh37 (hg19) VCF-style: chr13-32928997-G-A.
Other names: c.7008-1G>A (NM_001406720.1); c.6912-1G>A (NM_001406719.1); c.2076-1G>A (NM_001406721.1); c.591-1G>A (NM_001406722.1).
Identifiers: ClinVar variation 188436 (VCV000188436.28), dbSNP rs786204280, ClinGen allele CA024727.